The following is an entry in ClinVar:

ClinVar aggregate classification (germline): Uncertain significance (1 of 4 stars; one submission).

Conditions:
Hereditary cancer-predisposing syndrome. Also called: Neoplastic Syndromes, Hereditary; Tumor predisposition; Hereditary Cancer Syndrome; Hereditary neoplastic syndrome. Identifiers: Orphanet 140162, MedGen C0027672, MeSH D009386, MONDO:0015356.

Submission:

Ambry Genetics
Classification: Uncertain significance for Hereditary cancer-predisposing syndrome. Last evaluated: 2021-08-03. Review status: criteria provided, single submitter. Criteria: Ambry Variant Classification Scheme 2023. Collection method: clinical testing. Allele origin: germline.
Comment: The p.R1182I variant (also known as c.3545G>T), located in coding exon 6 of the MSH6 gene, results from a G to T substitution at nucleotide position 3545. The arginine at codon 1182 is replaced by isoleucine, an amino acid with similar properties. This amino acid position is highly conserved in available vertebrate species. In addition, this alteration is predicted to be deleterious by in silico analysis. Since supporting evidence is limited at this time, the clinical significance of this alteration remains unclear.

NM_000179.3(MSH6):c.3545G>T (p.Arg1182Ile)

Gene: MSH6 (mutS homolog 6; plus strand). Cytogenetic location: 2p16.3.
Variant type: single nucleotide variant.
Coding change: c.3545G>T on transcript NM_000179.3 (MANE Select); coding-DNA position 3545, G replaced by T.
Protein change: p.Arg1182Ile; replaces arginine 1182 with isoleucine.
Molecular consequence: missense variant.
Genome position (GRCh38, 1-based): chr2:47,805,016, G>T. VCF-style: chr2-47805016-G-T. GRCh37 (hg19) VCF-style: chr2-48032155-G-T.
Other names: c.3155G>T, p.Arg1052Ile (NM_001281492.2); c.2639G>T, p.Arg880Ile (NM_001281493.2, NM_001281494.2, NM_001406811.1 and 6 more transcripts); c.3641G>T, p.Arg1214Ile (NM_001406795.1, NM_001406802.1); c.3545G>T, p.Arg1182Ile (NM_001406796.1, NM_001406800.1, NM_001406808.1 and 1 more transcripts); c.3248G>T, p.Arg1083Ile (NM_001406797.1, NM_001406801.1, NM_001406805.1 and 10 more transcripts); c.3371G>T, p.Arg1124Ile (NM_001406798.1); c.3020G>T, p.Arg1007Ile (NM_001406799.1, NM_001406806.1, NM_001406807.1); c.2681G>T, p.Arg894Ile (NM_001406803.1); and 7 more; short protein forms R1052I, R1156I, R1214I, R894I, R1007I, R1124I, R1083I, R109I.
Identifiers: ClinVar variation 1732522 (VCV001732522.2), dbSNP rs1669880235, ClinGen allele CA346760255.